The following is an entry in ClinVar:

NM_004738.5(VAPB):c.21C>G (p.Val7=)

Gene: VAPB (VAMP associated protein B and C; plus strand). Cytogenetic location: 20q13.32.
Variant type: single nucleotide variant.
Coding change: c.21C>G on transcript NM_004738.5 (MANE Select); coding-DNA position 21, C replaced by G.
Protein change: p.Val7=; no amino-acid change (valine 7 retained).
Molecular consequence: synonymous variant. On other transcripts: non-coding transcript variant (1).
Genome position (GRCh38, 1-based): chr20:58,389,480, C>G. VCF-style: chr20-58389480-C-G. GRCh37 (hg19) VCF-style: chr20-56964536-C-G.
Other names: c.21C>G, p.Val7= (NM_001195677.2).
Identifiers: ClinVar variation 741738 (VCV000741738.12), dbSNP rs763066492, ClinGen allele CA511058255.

ClinVar aggregate classification (germline): Likely benign. Review status: criteria provided, single submitter (1 of 4 stars). 2 submissions from 2 submitters: Likely benign (1). 1 of the submissions does not count toward it. Last evaluated 2025-09-16.

Conditions:
VAPB-related disorder. Also called: VAPB-related condition.
Amyotrophic lateral sclerosis type 8 (ALS8). Identifiers: Orphanet 803, MedGen C1837728, MONDO:0012077, OMIM 608627.
Adult-onset proximal spinal muscular atrophy, autosomal dominant. Also called: FINKEL LATE-ADULT TYPE SMA; Spinal muscular atrophy, late-onset, finkel type. Identifiers: Orphanet 209335, MedGen C1854058, MONDO:0008453, OMIM 182980.

Allele frequency attached by ClinVar (database versions not stated): TOPMed 0.00001.
gnomAD v4.1: 1 of 1,596,594 alleles (0.000063%); highest among the groups gnomAD compares: Non-Finnish European, 0.000085%; no homozygotes.

Submissions (2):

Labcorp Genetics (formerly Invitae), Labcorp
Classification: Likely benign for Adult-onset proximal spinal muscular atrophy, autosomal dominant; Amyotrophic lateral sclerosis type 8. Last evaluated: 2025-09-16. Review status: criteria provided, single submitter. Criteria: Invitae Variant Classification Sherloc (09022015). Collection method: clinical testing. Allele origin: germline.

PreventionGenetics, part of Exact Sciences
Classification: Likely benign for VAPB-related condition. Last evaluated: 2023-05-25. Review status: no assertion criteria provided. Collection method: clinical testing. Allele origin: germline. Not counted in ClinVar's aggregate classification.
Comment: This variant is classified as likely benign based on ACMG/AMP sequence variant interpretation guidelines (Richards et al. 2015 PMID: 25741868, with internal and published modifications).